The following is an entry in ClinVar:

NM_014855.3(AP5Z1):c.1391T>C (p.Leu464Pro)

Gene: AP5Z1 (adaptor related protein complex 5 subunit zeta 1; plus strand). Cytogenetic location: 7p22.1.
Variant type: single nucleotide variant.
Coding change: c.1391T>C on transcript NM_014855.3 (MANE Select); coding-DNA position 1391, T replaced by C.
Protein change: p.Leu464Pro; replaces leucine 464 with proline.
Molecular consequence: missense variant. On other transcripts: non-coding transcript variant (1).
Genome position (GRCh38, 1-based): chr7:4,787,713, T>C. VCF-style: chr7-4787713-T-C. GRCh37 (hg19) VCF-style: chr7-4827344-T-C.
Other names: c.923T>C, p.Leu308Pro (NM_001364858.1); short protein forms L308P, L464P.
Identifiers: ClinVar variation 2095851 (VCV002095851.4), dbSNP rs1287755217, ClinGen allele CA366662981.
Genomic context (GRCh38, chr7:4,787,713, plus strand): 5'-CACCCCTCACCTCCGAGTTTGTGGCGCTCCTCCCGGCCCTGGTGGACGCTGGCACAGCCC[T>C]GGAGATGCTGCACGCGCTGCTGGACCTGCCCTGCTTGACGGCGGTGCTGGACCTGCAGCT-3'
Protein context (NP_055670.1, residues 454-474): LPALVDAGTA[Leu464Pro]EMLHALLDLP

ClinVar aggregate classification (germline): Uncertain significance (1 of 4 stars; one submission).

Conditions:
Hereditary spastic paraplegia 48. Also called: SPASTIC PARAPLEGIA 48, AUTOSOMAL RECESSIVE; Spastic paraplegia 48. Identifiers: Orphanet 306511, MedGen C3150901, MONDO:0013342, OMIM 613647.

Submission:

Labcorp Genetics (formerly Invitae), Labcorp
Classification: Uncertain significance for Hereditary spastic paraplegia 48. Last evaluated: 2022-07-30. Review status: criteria provided, single submitter. Criteria: Invitae Variant Classification Sherloc (09022015). Collection method: clinical testing. Allele origin: germline.
Comment: In summary, the available evidence is currently insufficient to determine the role of this variant in disease. Therefore, it has been classified as a Variant of Uncertain Significance. Algorithms developed to predict the effect of missense changes on protein structure and function are either unavailable or do not agree on the potential impact of this missense change (SIFT: "Deleterious"; PolyPhen-2: "Possibly Damaging"; Align-GVGD: "Class C0"). This variant has not been reported in the literature in individuals affected with AP5Z1-related conditions. This variant is not present in population databases (gnomAD no frequency). This sequence change replaces leucine, which is neutral and non-polar, with proline, which is neutral and non-polar, at codon 464 of the AP5Z1 protein (p.Leu464Pro).